The following is an entry in ClinVar:

NM_006516.4(SLC2A1):c.543C>T (p.Gly181=)

Gene: SLC2A1 (solute carrier family 2 member 1; minus strand). Cytogenetic location: 1p34.2.
Variant type: single nucleotide variant.
Coding change: c.543C>T on transcript NM_006516.4 (MANE Select); coding-DNA position 543, C replaced by T.
Protein change: p.Gly181=; no amino-acid change (glycine 181 retained).
Molecular consequence: synonymous variant.
Genome position (GRCh38, 1-based): chr1:42,930,009, G>A on the plus strand (C>T on the coding strand, the complement: SLC2A1 is on the minus strand). VCF-style: chr1-42930009-G-A. GRCh37 (hg19) VCF-style: chr1-43395680-G-A.
Other names: p.G181G:GGC>GGT.
Identifiers: ClinVar variation 139159 (VCV000139159.18), dbSNP rs377674001, ClinGen allele CA019213.

ClinVar aggregate classification (germline): Conflicting classifications of pathogenicity. Review status: criteria provided, conflicting classifications (1 of 4 stars). 4 submissions from 4 submitters: Uncertain significance (1); Benign (1); Likely benign (2). Last evaluated 2026-01-20.

Conditions:
Inborn genetic diseases. Identifiers: MedGen C0950123, MeSH D030342.
GLUT1 deficiency syndrome 1, autosomal recessive. Identifiers: MedGen C3149117.
Encephalopathy due to GLUT1 deficiency. Also called: GLUCOSE TRANSPORT DEFECT, BLOOD-BRAIN BARRIER; De Vivo disease; Glucose transporter protein syndrome; Classic Glucose Transporter Type 1 Deficiency Syndrome; GLUT1 deficiency syndrome 1; GLUT1 deficiency syndrome 1, infantile onset, severe. Identifiers: Orphanet 71277, MedGen C4551966, MONDO:0011724, OMIM 606777.

Allele frequency attached by ClinVar (database versions not stated): gnomAD exomes 0.00006 and 0.00012; TOPMed 0.00006; gnomAD 0.00007 and 0.00008; ExAC 0.00012; ESP Exome Variant Server 0.00015.
gnomAD v4.1: 116 of 1,614,038 alleles (0.0072%); highest among the groups gnomAD compares: Non-Finnish European, 0.0024%; no homozygotes.

Submissions (4):

Labcorp Genetics (formerly Invitae), Labcorp
Classification: Likely benign for GLUT1 deficiency syndrome 1, autosomal recessive. Last evaluated: 2026-01-20. Review status: criteria provided, single submitter. Criteria: Invitae Variant Classification Sherloc (09022015). Collection method: clinical testing. Allele origin: germline.

Ambry Genetics
Classification: Likely benign for Inborn genetic diseases. Last evaluated: 2018-02-21. Review status: criteria provided, single submitter. Criteria: Ambry Variant Classification Scheme 2023. Collection method: clinical testing. Allele origin: germline.

GeneDx
Classification: Benign. Last evaluated: 2014-01-16. Review status: criteria provided, single submitter. Criteria: GeneDx Variant Classification (06012015). Collection method: clinical testing. Allele origin: germline. Affected: yes.
Comment: This variant is considered likely benign or benign based on one or more of the following criteria: it is a conservative change, it occurs at a poorly conserved position in the protein, it is predicted to be benign by multiple in silico algorithms, and/or has population frequency not consistent with disease.

Genetic Services Laboratory, University of Chicago
Classification: Uncertain significance for GLUT1 deficiency syndrome 1. Last evaluated: 2013-02-08. Review status: criteria provided, single submitter. Criteria: ACMG Guidelines, 2007. Collection method: clinical testing. Allele origin: germline. Inheritance: Autosomal dominant inheritance.